The following is an entry in ClinVar:

ClinVar aggregate classification (germline): Uncertain significance. Review status: criteria provided, multiple submitters, no conflicts (2 of 4 stars). 2 submissions from 2 submitters: Uncertain significance (2). Last evaluated 2024-02-09.

Conditions:
Melanoma, cutaneous malignant, susceptibility to, 8. Also called: Cutaneous malignant melanoma 8; MELANOMA AND RENAL CELL CARCINOMA, SUSCEPTIBILITY TO. Identifiers: Orphanet 293822, MedGen C3152204, MONDO:0013759, OMIM 614456.
Tietz syndrome (TADS). Also called: HYPOPIGMENTATION/DEAFNESS OF TIETZ; ALBINISM-DEAFNESS OF TIETZ; TIETZ ALBINISM-DEAFNESS SYNDROME. Identifiers: Orphanet 42665, MedGen C0391816, MONDO:0007077, OMIM 103500.
Waardenburg syndrome type 2A (WS2A). Also called: WAARDENBURG SYNDROME WITHOUT DYSTOPIA CANTHORUM. Identifiers: Orphanet 3440, MedGen C1860339, MONDO:0008671, OMIM 193510.

gnomAD v4.1: 2 of 1,614,112 alleles (0.00012%); highest among the groups gnomAD compares: Non-Finnish European, 0.00017%; no homozygotes.

Submissions (2):

GeneDx
Classification: Uncertain significance. Last evaluated: 2024-02-09. Review status: criteria provided, single submitter. Criteria: GeneDx Variant Classification Process June 2021. Collection method: clinical testing. Allele origin: germline. Affected: yes.
Comment: Not observed at significant frequency in large population cohorts (gnomAD); In silico analysis supports that this missense variant does not alter protein structure/function; Has not been previously published as pathogenic or benign to our knowledge

Labcorp Genetics (formerly Invitae), Labcorp
Classification: Uncertain significance for Melanoma, cutaneous malignant, susceptibility to, 8; Waardenburg syndrome type 2A; Tietz syndrome. Last evaluated: 2022-03-27. Review status: criteria provided, single submitter. Criteria: Invitae Variant Classification Sherloc (09022015). Collection method: clinical testing. Allele origin: germline.
Comment: Algorithms developed to predict the effect of missense changes on protein structure and function are either unavailable or do not agree on the potential impact of this missense change (SIFT: "Tolerated"; PolyPhen-2: "Probably Damaging"; Align-GVGD: "Class C0"). In summary, the available evidence is currently insufficient to determine the role of this variant in disease. Therefore, it has been classified as a Variant of Uncertain Significance. This variant has not been reported in the literature in individuals affected with MITF-related conditions. This variant is not present in population databases (gnomAD no frequency). This sequence change replaces glutamine, which is neutral and polar, with glutamic acid, which is acidic and polar, at codon 25 of the MITF protein (p.Gln25Glu).

NM_001354604.2(MITF):c.394C>G (p.Gln132Glu)

Gene: MITF (melanocyte inducing transcription factor; plus strand). Cytogenetic location: 3p13.
Variant type: single nucleotide variant.
Coding change: c.394C>G on transcript NM_001354604.2 (MANE Select); coding-DNA position 394, C replaced by G.
Protein change: p.Gln132Glu; replaces glutamine 132 with glutamic acid.
Molecular consequence: missense variant.
Genome position (GRCh38, 1-based): chr3:69,937,861, C>G. VCF-style: chr3-69937861-C-G. GRCh37 (hg19) VCF-style: chr3-69987012-C-G.
Other names: c.73C>G, p.Gln25Glu (NM_000248.4, NM_001184968.2, NM_198158.3 and 1 more transcripts); c.238C>G, p.Gln80Glu (NM_001184967.2, NM_001354608.2); c.391C>G, p.Gln131Glu (NM_001354605.2, NM_001354606.2, NM_006722.3); c.343C>G, p.Gln115Glu (NM_001354607.2); c.394C>G, p.Gln132Glu (NM_198159.3); c.346C>G, p.Gln116Glu (NM_198177.3); short protein forms Q116E, Q131E, Q25E, Q115E, Q132E, Q80E.
Identifiers: ClinVar variation 2118428 (VCV002118428.4), dbSNP rs201297175, ClinGen allele CA353560336.